The following is an entry in ClinVar:

NM_013254.4(TBK1):c.1324G>C (p.Gly442Arg)

Gene: TBK1 (TANK binding kinase 1; plus strand). Cytogenetic location: 12q14.2.
Variant type: single nucleotide variant.
Coding change: c.1324G>C on transcript NM_013254.4 (MANE Select); coding-DNA position 1324, G replaced by C.
Protein change: p.Gly442Arg; replaces glycine 442 with arginine.
Molecular consequence: missense variant.
Genome position (GRCh38, 1-based): chr12:64,486,001, G>C. VCF-style: chr12-64486001-G-C. GRCh37 (hg19) VCF-style: chr12-64879781-G-C.
Other names: short protein forms G442R.
Identifiers: ClinVar variation 3637640 (VCV003637640.2).
Genomic context (GRCh38, chr12:64,486,001, plus strand): 5'-GTGTGTTATGCCTGCAGAATTGCCAGTACCTTACTGCTTTATCAGGAATTAATGCGAAAG[G>C]GGATACGATGGCTGATGTAAGTAATAGATTGAAATTTTGAAATTGATTTTCATGTAGACC-3'
Protein context (NP_037386.1, residues 432-452): LLLYQELMRK[Gly442Arg]IRWLIELIKD

ClinVar aggregate classification (germline): Uncertain significance (1 of 4 stars; one submission).

Conditions:
Frontotemporal dementia and/or amyotrophic lateral sclerosis 4. Also called: FTDALS4. Identifiers: Orphanet 275872, MedGen C4225325, MONDO:0014641, OMIM 616439.

Submission:

Labcorp Genetics (formerly Invitae), Labcorp
Classification: Uncertain significance for Frontotemporal dementia and/or amyotrophic lateral sclerosis 4. Last evaluated: 2024-02-16. Review status: criteria provided, single submitter. Criteria: Invitae Variant Classification Sherloc (09022015). Collection method: clinical testing. Allele origin: germline.
Comment: This sequence change replaces glycine, which is neutral and non-polar, with arginine, which is basic and polar, at codon 442 of the TBK1 protein (p.Gly442Arg). This variant is not present in population databases (gnomAD no frequency). This variant has not been reported in the literature in individuals affected with TBK1-related conditions. Advanced modeling of protein sequence and biophysical properties (such as structural, functional, and spatial information, amino acid conservation, physicochemical variation, residue mobility, and thermodynamic stability) performed at Invitae indicates that this missense variant is not expected to disrupt TBK1 protein function with a negative predictive value of 95%. In summary, the available evidence is currently insufficient to determine the role of this variant in disease. Therefore, it has been classified as a Variant of Uncertain Significance.